The following is an entry in ClinVar:

NM_002691.4(POLD1):c.864G>A (p.Ala288=)

Gene: POLD1 (DNA polymerase delta 1, catalytic subunit; plus strand). Cytogenetic location: 19q13.33.
Variant type: single nucleotide variant.
Coding change: c.864G>A on transcript NM_002691.4 (MANE Select); coding-DNA position 864, G replaced by A.
Protein change: p.Ala288=; no amino-acid change (alanine 288 retained).
Molecular consequence: synonymous variant. On other transcripts: non-coding transcript variant (1).
Genome position (GRCh38, 1-based): chr19:50,402,635, G>A. VCF-style: chr19-50402635-G-A. GRCh37 (hg19) VCF-style: chr19-50905892-G-A.
Other names: c.864G>A, p.Ala288= (NM_001256849.1, NM_001308632.1).
Identifiers: ClinVar variation 383834 (VCV000383834.20), dbSNP rs781735549, ClinGen allele CA9595937.
Genomic context (GRCh38, chr19:50,402,635, plus strand): 5'-TACCCTGCTGCCACCGCTGACCCACCCATGCCCACAGGCTACGCAGTGCCAGCTGGAGGC[G>A]GACGTGCTGTGGTCTGACGTGGTCAGTCACCCACCGGAAGGGCCATGGCAGCGCATTGCG-3'
Protein context (NP_002682.2, residues 278-298): KEKATQCQLE[Ala288=]DVLWSDVVSH

ClinVar aggregate classification (germline): Benign/Likely benign. Review status: criteria provided, multiple submitters, no conflicts (2 of 4 stars). 7 submissions from 7 submitters: Benign (1); Likely benign (6). Last evaluated 2025-10-15.

Conditions:
Hereditary cancer-predisposing syndrome. Also called: Neoplastic Syndromes, Hereditary; Hereditary neoplastic syndrome; Hereditary Cancer Syndrome; Tumor predisposition. Identifiers: Orphanet 140162, MedGen C0027672, MeSH D009386, MONDO:0015356.
POLD1-related polyposis and colorectal cancer syndrome (CRCS10). Also called: Colorectal cancer, susceptibility to, 10; Colorectal cancer 10; COLORECTAL CANCER, SUSCEPTIBILITY TO, ON CHROMOSOME 19q. Identifiers: Orphanet 220460, MedGen C2675481, MONDO:0012953, OMIM 612591.

Allele frequency attached by ClinVar (database versions not stated): TOPMed 0.00002; gnomAD exomes 0.00003 and 0.00004; gnomAD 0.00006; ExAC 0.00019.
gnomAD v4.1: 49 of 1,578,468 alleles (0.0031%); highest among the groups gnomAD compares: African/African-American, 0.011%; no homozygotes.

Submissions (7):

Labcorp Genetics (formerly Invitae), Labcorp
Classification: Likely benign for POLD1-related polyposis and colorectal cancer syndrome. Last evaluated: 2025-10-15. Review status: criteria provided, single submitter. Criteria: Invitae Variant Classification Sherloc (09022015). Collection method: clinical testing. Allele origin: germline.

Myriad Genetics, Inc.
Classification: Benign for POLD1-related polyposis and colorectal cancer syndrome. Last evaluated: 2025-02-05. Review status: criteria provided, single submitter. Criteria: Myriad Autosomal Dominant, Autosomal Recessive and X-Linked Classification Criteria (2023). Collection method: clinical testing. Allele origin: unknown.
Comment: This variant is considered benign. This variant is a silent/synonymous amino acid change and it is not expected to impact splicing.

Blueprint Genetics
Classification: Likely benign. Last evaluated: 2022-07-13. Review status: criteria provided, single submitter. Criteria: ACMG Guidelines, 2015. Collection method: clinical testing. Allele origin: germline.

GeneDx
Classification: Likely benign. Last evaluated: 2019-02-27. Review status: criteria provided, single submitter. Criteria: GeneDx Variant Classification Process June 2021. Collection method: clinical testing. Allele origin: germline. Affected: yes.
Comment: This variant is associated with the following publications: (PMID: 26832770)

Quest Diagnostics Nichols Institute San Juan Capistrano
Classification: Likely benign. Last evaluated: 2017-03-28. Review status: criteria provided, single submitter. Criteria: Quest Diagnostics criteria. Collection method: clinical testing. Allele origin: germline.

PreventionGenetics, part of Exact Sciences
Classification: Likely benign. Last evaluated: 2017-02-24. Review status: criteria provided, single submitter. Criteria: ACMG Guidelines, 2015. Collection method: clinical testing. Allele origin: germline.

Ambry Genetics
Classification: Likely benign for Hereditary cancer-predisposing syndrome. Last evaluated: 2016-06-03. Review status: criteria provided, single submitter. Criteria: Ambry Variant Classification Scheme 2023. Collection method: clinical testing. Allele origin: germline.